The following is an entry in ClinVar:

NM_001080512.3(BICC1):c.1204C>T (p.Arg402Ter)

Gene: BICC1 (BicC family RNA binding protein 1; plus strand). Cytogenetic location: 10q21.1.
Variant type: single nucleotide variant.
Coding change: c.1204C>T on transcript NM_001080512.3 (MANE Select); coding-DNA position 1204, C replaced by T.
Protein change: p.Arg402Ter; replaces arginine 402 with a stop codon.
Molecular consequence: nonsense.
Genome position (GRCh38, 1-based): chr10:58,796,364, C>T. VCF-style: chr10-58796364-C-T. GRCh37 (hg19) VCF-style: chr10-60556124-C-T.
Other names: short protein forms R402*.
Identifiers: ClinVar variation 3236256 (VCV003236256.2), dbSNP rs2493810553, ClinGen allele CA376972151.

ClinVar aggregate classification (germline): Conflicting classifications of pathogenicity. Review status: criteria provided, conflicting classifications (1 of 4 stars). 2 submissions from 2 submitters: Likely pathogenic (1); Uncertain significance (1). Last evaluated 2023-12-26.

Conditions:
Renal dysplasia, cystic, susceptibility to. Identifiers: MedGen C3275898, MONDO:0011037, OMIM 601331.

Allele frequency attached by ClinVar (database versions not stated): gnomAD exomes below 0.00001.
gnomAD v4.1: 4 of 1,613,670 alleles (0.00025%); highest among the groups gnomAD compares: Non-Finnish European, 0.00025%; no homozygotes.

Submissions (2):

Fulgent Genetics
Classification: Uncertain significance for Renal dysplasia, cystic, susceptibility to. Last evaluated: 2023-12-26. Review status: criteria provided, single submitter. Criteria: ACMG Guidelines, 2015. Collection method: clinical testing. Allele origin: germline.

MVZ Medizinische Genetik Mainz
Classification: Likely pathogenic for Renal dysplasia, cystic, susceptibility to. Last evaluated: 2023-12-21. Review status: criteria provided, single submitter. Criteria: UK Practice Guidelines For Variant Classification V4 01 2020. Collection method: clinical testing. Allele origin: germline. Inheritance: Autosomal dominant inheritance. Affected: yes. Observed: 1 variant allele.
Comment: ACMG Criteria: PVS1,PM2_SUP